The following is an entry in ClinVar:

ClinVar aggregate classification (germline): Likely benign (1 of 4 stars; one submission).

Conditions:
Immunodeficiency due to MASP-2 deficiency. Also called: MASP2 deficiency; LECTIN COMPLEMENT ACTIVATION PATHWAY, DEFECT IN, 2. Identifiers: Orphanet 331187, MedGen C3151085, MONDO:0013423, OMIM 613791.

Allele frequency attached by ClinVar (database versions not stated): gnomAD exomes 0.00037; 1000 Genomes Project 30x 0.00375; 1000 Genomes Project 0.00379; gnomAD 0.00421 and 0.00452; TOPMed 0.00463.
gnomAD v4.1: 761 of 450,386 alleles (0.17%); highest among the groups gnomAD compares: African/African-American, 1.3%; 7 homozygotes.

Submission:

Illumina Laboratory Services, Illumina
Classification: Likely benign for Immunodeficiency due to MASP-2 deficiency. Last evaluated: 2018-01-13. Review status: criteria provided, single submitter. Criteria: ICSL Variant Classification Criteria 13 December 2019. Collection method: clinical testing. Allele origin: germline.
Comment: This variant was observed in the ICSL laboratory as part of a predisposition screen in an ostensibly healthy population. It had not been previously curated by ICSL or reported in the Human Gene Mutation Database (HGMD: prior to June 1st, 2018), and was therefore a candidate for classification through an automated scoring system. Utilizing variant allele frequency, disease prevalence and penetrance estimates, and inheritance mode, an automated score was calculated to assess if this variant is too frequent to cause the disease. Based on the score and internal cut-off values, a variant classified as likely benign is not then subjected to further curation. The score for this variant resulted in a classification of likely benign for this disease.

NM_006610.4(MASP2):c.*184C>T

Genes: MASP2 (MBL associated serine protease 2; minus strand), TARDBP (TAR DNA binding protein; plus strand). Cytogenetic location: 1p36.22.
Variant type: single nucleotide variant.
Coding change: c.*184C>T on transcript NM_006610.4 (MANE Select); 184 bases downstream of the stop codon, C replaced by T.
Molecular consequence: 3 prime UTR variant.
Genome position (GRCh38, 1-based): chr1:11,026,701, G>A on the plus strand (C>T on the coding strand, the complement: MASP2 is on the minus strand). VCF-style: chr1-11026701-G-A. GRCh37 (hg19) VCF-style: chr1-11086758-G-A.
Identifiers: ClinVar variation 368798 (VCV000368798.6), dbSNP rs115750484, ClinGen allele CA10654420.